The following is an entry in ClinVar:

NM_000722.4(CACNA2D1):c.2728-3T>C

Gene: CACNA2D1 (calcium voltage-gated channel auxiliary subunit alpha2delta 1; minus strand). Cytogenetic location: 7q21.11.
Variant type: single nucleotide variant.
Coding change: c.2728-3T>C on transcript NM_000722.4 (MANE Select); 3 bases into the intron before coding-DNA position 2728, T replaced by C.
Molecular consequence: intron variant.
Genome position (GRCh38, 1-based): chr7:81,964,111, A>G on the plus strand (T>C on the coding strand, the complement: CACNA2D1 is on the minus strand). VCF-style: chr7-81964111-A-G. GRCh37 (hg19) VCF-style: chr7-81593427-A-G.
Other names: c.2764-3T>C (NM_001366867.1).
Identifiers: ClinVar variation 3826697 (VCV003826697.1).
Genomic context (GRCh38, chr7:81,964,111, plus strand): 5'-CTTACCAGGCAGCAGCAGTGGCCCACCAGCCAATTTGTAATATGTCTGCTACTGATGGCT[A>G]TAAAATAAAATAATAAGGTCATTTCAGTAGTCTACTTGATACTGAGGACACTTGAGTACC-3'

ClinVar aggregate classification (germline): Uncertain significance (1 of 4 stars; one submission).

Conditions:
Cardiovascular phenotype. Identifiers: MedGen CN230736.

gnomAD v4.1: 1 of 1,611,892 alleles (0.000062%); highest among the groups gnomAD compares: Admixed American, 0.0017%; no homozygotes.

Submission:

Ambry Genetics
Classification: Uncertain significance for Cardiovascular phenotype. Last evaluated: 2025-02-10. Review status: criteria provided, single submitter. Criteria: Ambry Variant Classification Scheme 2023. Collection method: clinical testing. Allele origin: germline.
Comment: The c.2728-3T>C intronic variant results from a T to C substitution 3 nucleotides upstream from coding exon 34 in the CACNA2D1 gene. This nucleotide position is not well conserved in available vertebrate species. In silico splice site analysis predicts that this alteration will not have any significant effect on splicing. The evidence for this gene-disease relationship is limited; therefore, the clinical significance of this alteration is unclear.